The following is an entry in ClinVar:

NM_001375808.2(LPIN2):c.2624C>T (p.Pro875Leu)

Gene: LPIN2 (lipin 2; minus strand). Cytogenetic location: 18p11.31.
Variant type: single nucleotide variant.
Coding change: c.2624C>T on transcript NM_001375808.2 (MANE Select); coding-DNA position 2624, C replaced by T.
Protein change: p.Pro875Leu; replaces proline 875 with leucine.
Molecular consequence: missense variant.
Genome position (GRCh38, 1-based): chr18:2,920,360, G>A on the plus strand (C>T on the coding strand, the complement: LPIN2 is on the minus strand). VCF-style: chr18-2920360-G-A. GRCh37 (hg19) VCF-style: chr18-2920358-G-A.
Other names: p.Pro875Leu; c.2624C>T, p.Pro875Leu (NM_001375809.1, NM_014646.2); short protein forms P875L.
Identifiers: ClinVar variation 1414821 (VCV001414821.6), dbSNP rs367929381, ClinGen allele CA8872652.

ClinVar aggregate classification (germline): Uncertain significance. Review status: criteria provided, multiple submitters, no conflicts (2 of 4 stars). 3 submissions from 3 submitters: Uncertain significance (3). Last evaluated 2025-10-13.

Conditions:
Majeed syndrome (MJDS). Also called: CHRONIC RECURRENT MULTIFOCAL OSTEOMYELITIS 1, WITH CONGENITAL DYSERYTHROPOIETIC ANEMIA, WITH OR WITHOUT NEUTROPHILIC DERMATOSIS; LPIN2-Related Majeed Syndrome. Identifiers: Orphanet 77297, MedGen C1864997, MONDO:0012316, OMIM 609628.
Inborn genetic diseases. Identifiers: MedGen C0950123, MeSH D030342.

Allele frequency attached by ClinVar (database versions not stated): ExAC 0.00003; gnomAD exomes 0.00004 and 0.00006; gnomAD 0.00009 and 0.00010; TOPMed 0.00009.
gnomAD v4.1: 102 of 1,614,018 alleles (0.0063%); highest among the groups gnomAD compares: Non-Finnish European, 0.0078%; no homozygotes.

Submissions (3):

Mayo Clinic Laboratories, Mayo Clinic
Classification: Uncertain significance. Last evaluated: 2025-10-13. Review status: criteria provided, single submitter. Criteria: ACMG Guidelines, 2015. Collection method: clinical testing. Allele origin: germline. Observed: 1 variant allele.

Ambry Genetics
Classification: Uncertain significance for Inborn genetic diseases. Last evaluated: 2024-05-14. Review status: criteria provided, single submitter. Criteria: Ambry Variant Classification Scheme 2023. Collection method: clinical testing. Allele origin: germline.

Labcorp Genetics (formerly Invitae), Labcorp
Classification: Uncertain significance for Majeed syndrome. Last evaluated: 2023-10-13. Review status: criteria provided, single submitter. Criteria: Invitae Variant Classification Sherloc (09022015). Collection method: clinical testing. Allele origin: germline.
Comment: This sequence change replaces proline, which is neutral and non-polar, with leucine, which is neutral and non-polar, at codon 875 of the LPIN2 protein (p.Pro875Leu). This variant is present in population databases (rs367929381, gnomAD 0.006%). This variant has not been reported in the literature in individuals affected with LPIN2-related conditions. ClinVar contains an entry for this variant (Variation ID: 1414821). Advanced modeling of protein sequence and biophysical properties (such as structural, functional, and spatial information, amino acid conservation, physicochemical variation, residue mobility, and thermodynamic stability) performed at Invitae indicates that this missense variant is expected to disrupt LPIN2 protein function. In summary, the available evidence is currently insufficient to determine the role of this variant in disease. Therefore, it has been classified as a Variant of Uncertain Significance.